The following is an entry in ClinVar:

ClinVar aggregate classification (germline): Conflicting classifications of pathogenicity. Review status: criteria provided, conflicting classifications (1 of 4 stars). 9 submissions from 9 submitters: Uncertain significance (1); Benign (2); Likely benign (5). 1 of the submissions does not count toward it. Last evaluated 2026-01-28.

Conditions:
Adams-Oliver syndrome 5 (AOS5). Identifiers: Orphanet 974, MedGen C4014970, MONDO:0014459, OMIM 616028.
Aortic valve disease 1 (AOVD1). Identifiers: MedGen C3887892, MONDO:0024523, OMIM 109730.
Familial thoracic aortic aneurysm and aortic dissection (TAAD). Also called: Thoracic aortic aneurysms and dissections. Identifiers: Orphanet 91387, MedGen C4707243, MONDO:0019625.

Allele frequency attached by ClinVar (database versions not stated): gnomAD exomes 0.00008 and 0.00036; gnomAD 0.00013 and 0.00015; TOPMed 0.00014; ExAC 0.00045; 1000 Genomes Project 30x 0.00078; 1000 Genomes Project 0.00080.
gnomAD v4.1: 160 of 1,552,646 alleles (0.01%); highest among the groups gnomAD compares: East Asian, 0.14%; 1 homozygote.

Submissions (9):

Labcorp Genetics (formerly Invitae), Labcorp
Classification: Likely benign for Adams-Oliver syndrome 5. Last evaluated: 2026-01-28. Review status: criteria provided, single submitter. Criteria: Invitae Variant Classification Sherloc (09022015). Collection method: clinical testing. Allele origin: germline.

Women's Health and Genetics/Laboratory Corporation of America, LabCorp
Classification: Likely benign. Last evaluated: 2024-11-26. Review status: criteria provided, single submitter. Criteria: LabCorp Variant Classification Summary - May 2015. Collection method: clinical testing. Allele origin: germline.

Ambry Genetics
Classification: Likely benign for Familial thoracic aortic aneurysm and aortic dissection. Last evaluated: 2024-08-27. Review status: criteria provided, single submitter. Criteria: Ambry Variant Classification Scheme 2023. Collection method: clinical testing. Allele origin: germline.

Blueprint Genetics
Classification: Likely benign. Last evaluated: 2024-02-26. Review status: criteria provided, single submitter. Criteria: ACMG Guidelines, 2015. Collection method: clinical testing. Allele origin: germline.

CeGaT Center for Human Genetics Tuebingen
Classification: Benign. Last evaluated: 2022-10-01. Review status: criteria provided, single submitter. Criteria: CeGaT Center For Human Genetics Tuebingen Variant Classification Criteria Version 2. Collection method: clinical testing. Allele origin: germline. Affected: yes. Observed: 1 variant allele.
Comment: NOTCH1: PP2, BS1, BS2

Fulgent Genetics
Classification: Uncertain significance for Aortic valve disease 1; Adams-Oliver syndrome 5. Last evaluated: 2018-10-31. Review status: criteria provided, single submitter. Criteria: ACMG Guidelines, 2015. Collection method: clinical testing. Allele origin: unknown.

GeneDx
Classification: Likely benign. Last evaluated: 2018-03-27. Review status: criteria provided, single submitter. Criteria: GeneDx Variant Classification (06012015). Collection method: clinical testing. Allele origin: germline. Affected: yes.
Comment: This variant is considered likely benign or benign based on one or more of the following criteria: it is a conservative change, it occurs at a poorly conserved position in the protein, it is predicted to be benign by multiple in silico algorithms, and/or has population frequency not consistent with disease.

CHEO Genetics Diagnostic Laboratory, Children's Hospital of Eastern Ontario
Classification: Benign for Familial thoracic aortic aneurysm and aortic dissection. Last evaluated: 2018-02-01. Review status: criteria provided, single submitter. Criteria: ACMG Guidelines, 2015. Collection method: clinical testing. Allele origin: germline.

ITMI
No classification provided. Condition: AllHighlyPenetrant. Last evaluated: 2013-09-19. Review status: no classification provided. Collection method: reference population. Allele origin: germline. Not counted in ClinVar's aggregate classification.
Comment: Please see associated publication for description of ethnicities

Literature cited by the submitters: PubMed 24943832 (cited by Women's Health and Genetics/Laboratory Corporation of America, LabCorp); PubMed 16614245 (cited by Women's Health and Genetics/Laboratory Corporation of America, LabCorp); PubMed 21670202 (cited by Women's Health and Genetics/Laboratory Corporation of America, LabCorp); PubMed 22210878 (cited by Women's Health and Genetics/Laboratory Corporation of America, LabCorp); PubMed 19635999 (cited by Women's Health and Genetics/Laboratory Corporation of America, LabCorp); PubMed 26837699 (cited by Women's Health and Genetics/Laboratory Corporation of America, LabCorp); PubMed 23086750 (cited by Women's Health and Genetics/Laboratory Corporation of America, LabCorp); PubMed 19245433 (cited by Women's Health and Genetics/Laboratory Corporation of America, LabCorp); PubMed 22077063 (cited by Women's Health and Genetics/Laboratory Corporation of America, LabCorp); PubMed 15472075 (cited by Women's Health and Genetics/Laboratory Corporation of America, LabCorp); PubMed 23734977 (cited by Women's Health and Genetics/Laboratory Corporation of America, LabCorp); PubMed 22858860 (cited by Women's Health and Genetics/Laboratory Corporation of America, LabCorp); PubMed 24728327 (cited by ITMI).

NM_017617.5(NOTCH1):c.1699A>G (p.Ile567Val)

Gene: NOTCH1 (notch receptor 1; minus strand). Cytogenetic location: 9q34.3.
Variant type: single nucleotide variant.
Coding change: c.1699A>G on transcript NM_017617.5 (MANE Select); coding-DNA position 1699, A replaced by G.
Protein change: p.Ile567Val; replaces isoleucine 567 with valine.
Molecular consequence: missense variant.
Genome position (GRCh38, 1-based): chr9:136,515,687, T>C on the plus strand (A>G on the coding strand, the complement: NOTCH1 is on the minus strand). VCF-style: chr9-136515687-T-C. GRCh37 (hg19) VCF-style: chr9-139410139-T-C.
Other names: c.1699A>G, p.Ile567Val (LRG_1122t1); short protein forms I567V.
Identifiers: ClinVar variation 134907 (VCV000134907.43), dbSNP rs369067940, ClinGen allele CA161141.